The following is an entry in ClinVar:

ClinVar aggregate classification (germline): Uncertain significance (1 of 4 stars; one submission).

Conditions:
Arrhythmogenic right ventricular dysplasia 5. Also called: Arrhythmogenic Right Ventricular Dysplasia/Cardiomyopathy 5; ARRHYTHMOGENIC RIGHT VENTRICULAR DYSPLASIA, FAMILIAL, 5. Identifiers: MedGen C1858379, MONDO:0011459, OMIM 604400.

gnomAD v4.1: 2 of 1,614,040 alleles (0.00012%); highest among the groups gnomAD compares: Non-Finnish European, 0.00017%; no homozygotes.

Submission:

Labcorp Genetics (formerly Invitae), Labcorp
Classification: Uncertain significance for Arrhythmogenic right ventricular dysplasia 5. Last evaluated: 2023-07-14. Review status: criteria provided, single submitter. Criteria: Invitae Variant Classification Sherloc (09022015). Collection method: clinical testing. Allele origin: germline.
Comment: In summary, the available evidence is currently insufficient to determine the role of this variant in disease. Therefore, it has been classified as a Variant of Uncertain Significance. An algorithm developed to predict the effect of missense changes on protein structure and function (PolyPhen-2) suggests that this variant is likely to be tolerated. This variant has not been reported in the literature in individuals affected with TMEM43-related conditions. This variant is not present in population databases (gnomAD no frequency). This sequence change replaces serine, which is neutral and polar, with cysteine, which is neutral and slightly polar, at codon 21 of the TMEM43 protein (p.Ser21Cys).

NM_024334.3(TMEM43):c.62C>G (p.Ser21Cys)

Gene: TMEM43 (transmembrane protein 43; plus strand). Cytogenetic location: 3p25.1.
Variant type: single nucleotide variant.
Coding change: c.62C>G on transcript NM_024334.3 (MANE Select); coding-DNA position 62, C replaced by G.
Protein change: p.Ser21Cys; replaces serine 21 with cysteine.
Molecular consequence: missense variant. On other transcripts: intron variant (1).
Genome position (GRCh38, 1-based): chr3:14,129,461, C>G. VCF-style: chr3-14129461-C-G. GRCh37 (hg19) VCF-style: chr3-14170961-C-G.
Other names: c.13-1361C>G (NM_001407280.1); c.62C>G, p.Ser21Cys (NM_001407274.1, NM_001407275.1, NM_001407276.1 and 3 more transcripts); short protein forms S21C.
Identifiers: ClinVar variation 2884872 (VCV002884872.3), dbSNP rs794729183, ClinGen allele CA351534258.
Genomic context (GRCh38, chr3:14,129,461, plus strand): 5'-TTTTTCTTCAGTATTCCAGTACCAGTACCCGGAGAGAACATGTCAAAGTTAAAACCAGCT[C>G]CCAGCCAGGCTTCCTGGAACGGCTGAGCGAGACCTCGGGTGGGATGTTTGTGGGGCTCAT-3'
Protein context (NP_077310.1, residues 11-31): RREHVKVKTS[Ser21Cys]QPGFLERLSE